The following is an entry in ClinVar:

ClinVar aggregate classification (germline): Uncertain significance (1 of 4 stars; one submission).

Conditions:
Mendelian susceptibility to mycobacterial diseases due to partial STAT1 deficiency. Also called: IMMUNODEFICIENCY 31A, MYCOBACTERIOSIS, AUTOSOMAL DOMINANT; STAT1 DEFICIENCY, AUTOSOMAL DOMINANT; Immunodeficiency 31a. Identifiers: Orphanet 319595, MedGen C4013950, MONDO:0013956, OMIM 614892.
Immunodeficiency 31B. Also called: STAT1 DEFICIENCY, AUTOSOMAL RECESSIVE; IMMUNODEFICIENCY 31B, MYCOBACTERIAL AND VIRAL INFECTIONS, AUTOSOMAL RECESSIVE. Identifiers: Orphanet 391311, MedGen C3151088, MONDO:0013427, OMIM 613796.
Autoimmune enteropathy and endocrinopathy - susceptibility to chronic infections syndrome. Also called: Immunodeficiency 31C, autosomal dominant; Immunodeficiency 31C. Identifiers: Orphanet 391487, MedGen C3279990, MONDO:0013599, OMIM 614162.

Submission:

Labcorp Genetics (formerly Invitae), Labcorp
Classification: Uncertain significance for Mendelian susceptibility to mycobacterial diseases due to partial STAT1 deficiency; Immunodeficiency 31B; Autoimmune enteropathy and endocrinopathy - susceptibility to chronic infections syndrome. Last evaluated: 2025-01-21. Review status: criteria provided, single submitter. Criteria: Invitae Variant Classification Sherloc (09022015). Collection method: clinical testing. Allele origin: germline.
Comment: This sequence change replaces tyrosine, which is neutral and polar, with cysteine, which is neutral and slightly polar, at codon 68 of the STAT1 protein (p.Tyr68Cys). This variant is not present in population databases (gnomAD no frequency). This missense change has been observed in individual(s) with chronic mucocutaneous candidiasis (PMID: 34718945). ClinVar contains an entry for this variant (Variation ID: 2940085). An algorithm developed to predict the effect of missense changes on protein structure and function (PolyPhen-2) suggests that this variant is likely to be tolerated. In summary, the available evidence is currently insufficient to determine the role of this variant in disease. Therefore, it has been classified as a Variant of Uncertain Significance.

Literature cited by the submitters: PubMed 34718945.

NM_007315.4(STAT1):c.203A>G (p.Tyr68Cys)

Gene: STAT1 (signal transducer and activator of transcription 1; minus strand). Cytogenetic location: 2q32.2.
Variant type: single nucleotide variant.
Coding change: c.203A>G on transcript NM_007315.4 (MANE Select); coding-DNA position 203, A replaced by G.
Protein change: p.Tyr68Cys; replaces tyrosine 68 with cysteine.
Molecular consequence: missense variant.
Genome position (GRCh38, 1-based): chr2:191,009,033, T>C on the plus strand (A>G on the coding strand, the complement: STAT1 is on the minus strand). VCF-style: chr2-191009033-T-C. GRCh37 (hg19) VCF-style: chr2-191873759-T-C.
Other names: c.203A>G, p.Tyr68Cys (NM_001384888.1, NM_001384889.1, NM_001384890.1 and 7 more transcripts); c.239A>G, p.Tyr80Cys (NM_001384891.1); c.209A>G, p.Tyr70Cys (NM_001384881.1, NM_001384884.1); short protein forms Y68C, Y80C, Y70C.
Identifiers: ClinVar variation 2940085 (VCV002940085.3), dbSNP rs2470565348, ClinGen allele CA349927990.
Genomic context (GRCh38, chr2:191,009,033, plus strand): 5'-CGCTTGCTTTTCCTTATGTTATGCTGTAGCAAGAAGTTATTCTCCAAAGAAAAGCGACTA[T>C]ATTGATCATCCAGCTGTGACAGGAGGTCATGAAAACGGATGGTGGCAAATGAAACATCAT-3'
Protein context (NP_009330.1, residues 58-78): HDLLSQLDDQ[Tyr68Cys]SRFSLENNFL